The following is an entry in ClinVar:

NM_000353.3(TAT):c.133C>T (p.Pro45Ser)

Gene: TAT (tyrosine aminotransferase; minus strand). Cytogenetic location: 16q22.2.
Variant type: single nucleotide variant.
Coding change: c.133C>T on transcript NM_000353.3 (MANE Select); coding-DNA position 133, C replaced by T.
Protein change: p.Pro45Ser; replaces proline 45 with serine.
Molecular consequence: missense variant.
Genome position (GRCh38, 1-based): chr16:71,576,283, G>A on the plus strand (C>T on the coding strand, the complement: TAT is on the minus strand). VCF-style: chr16-71576283-G-A. GRCh37 (hg19) VCF-style: chr16-71610186-G-A.
Other names: short protein forms P45S.
Identifiers: ClinVar variation 320414 (VCV000320414.15), dbSNP rs575372249, ClinGen allele CA8154078.

ClinVar aggregate classification (germline): Benign. Review status: criteria provided, multiple submitters, no conflicts (2 of 4 stars). 3 submissions from 3 submitters: Benign (3). Last evaluated 2026-02-02.

Conditions:
TAT-related disorder. Also called: TAT-related condition.
Tyrosinemia type II (TYRSN2). Also called: OREGON TYPE TYROSINEMIA; TAT DEFICIENCY; TYROSINE AMINOTRANSFERASE DEFICIENCY; TYROSINE TRANSAMINASE DEFICIENCY; KERATOSIS PALMOPLANTARIS WITH CORNEAL DYSTROPHY. Identifiers: Orphanet 28378, MedGen C0268487, MONDO:0010160, OMIM 276600.

Allele frequency attached by ClinVar (database versions not stated): gnomAD 0.00001 and 0.00093; TOPMed 0.00015; gnomAD exomes 0.00270; ExAC 0.00321; 1000 Genomes Project 30x 0.00687; 1000 Genomes Project 0.00759.

Submissions (3):

Labcorp Genetics (formerly Invitae), Labcorp
Classification: Benign for Tyrosinemia type II. Last evaluated: 2026-02-02. Review status: criteria provided, single submitter. Criteria: Invitae Variant Classification Sherloc (09022015). Collection method: clinical testing. Allele origin: germline.

PreventionGenetics, part of Exact Sciences
Classification: Benign for TAT-related condition. Last evaluated: 2025-01-28. Review status: criteria provided, single submitter. Criteria: ACMG Guidelines, 2015. Collection method: clinical testing. Allele origin: germline.
Comment: This variant is classified as benign based on ACMG/AMP sequence variant interpretation guidelines (Richards et al. 2015 PMID: 25741868, with internal and published modifications).

Illumina Laboratory Services, Illumina
Classification: Benign for Tyrosinemia type II. Last evaluated: 2018-01-13. Review status: criteria provided, single submitter. Criteria: ICSL Variant Classification Criteria 13 December 2019. Collection method: clinical testing. Allele origin: germline.
Comment: This variant was observed in the ICSL laboratory as part of a predisposition screen in an ostensibly healthy population. It had not been previously curated by ICSL or reported in the Human Gene Mutation Database (HGMD: prior to June 1st, 2018), and was therefore a candidate for classification through an automated scoring system. Utilizing variant allele frequency, disease prevalence and penetrance estimates, and inheritance mode, an automated score was calculated to assess if this variant is too frequent to cause the disease. Based on the score and internal cut-off values, a variant classified as benign is not then subjected to further curation. The score for this variant resulted in a classification of benign for this disease.